The following is an entry in ClinVar:

NM_000260.4(MYO7A):c.1525C>G (p.Leu509Val)

Gene: MYO7A (myosin VIIA; plus strand). Cytogenetic location: 11q13.5.
Variant type: single nucleotide variant.
Coding change: c.1525C>G on transcript NM_000260.4 (MANE Select); coding-DNA position 1525, C replaced by G.
Protein change: p.Leu509Val; replaces leucine 509 with valine.
Molecular consequence: missense variant.
Genome position (GRCh38, 1-based): chr11:77,162,301, C>G. VCF-style: chr11-77162301-C-G. GRCh37 (hg19) VCF-style: chr11-76873347-C-G.
Other names: c.1525C>G, p.Leu509Val (NM_001127180.2); c.1492C>G, p.Leu498Val (NM_001369365.1); short protein forms L498V, L509V.
Identifiers: ClinVar variation 4058206 (VCV004058206.3).

ClinVar aggregate classification (germline): Likely pathogenic. Review status: criteria provided, single submitter (1 of 4 stars). 2 submissions from 2 submitters: Likely pathogenic (1). 1 of the submissions does not count toward it. Last evaluated 2025-07-16.

Conditions:
Autosomal recessive nonsyndromic hearing loss 2. Also called: DEAFNESS, AUTOSOMAL RECESSIVE 2; NEUROSENSORY NONSYNDROMIC RECESSIVE DEAFNESS 2. Identifiers: Orphanet 90636, MedGen C1838701, MONDO:0010807, OMIM 600060.
Usher syndrome type 1B (USH1B). Also called: Usher syndrome type IB. Identifiers: MedGen C1848638, MONDO:0700087.

gnomAD v4.1: 14 of 1,552,088 alleles (0.0009%); highest among the groups gnomAD compares: Non-Finnish European, 0.0012%; no homozygotes.

Submissions (2):

Victorian Clinical Genetics Services, Murdoch Childrens Research Institute
Classification: Likely pathogenic for Autosomal recessive nonsyndromic hearing loss 2. Last evaluated: 2025-07-16. Review status: criteria provided, single submitter. Criteria: ACMG Guidelines, 2015. Collection method: clinical testing. Allele origin: germline. Affected: yes.
Comment: This variant is classified as Likely pathogenic. Evidence in support of pathogenic classification: Variant is present in gnomAD <0.01 (v4: 14 heterozygote(s), 0 homozygote(s)) ; Missense variant predicted to be damaging by in silico tool(s) or highly conserved with a major amino acid change; Heterozygous variant detected in trans with a second PATHOGENIC heterozygous variant (NM_000260.4(MYO7A):c.397C>A; p.(His133Asn)) in a recessive disease. Additional information: Variant is predicted to result in a missense amino acid change from leucine to valine; This variant is heterozygous; This gene is associated with both recessive and dominant disease. While the genotype-phenotype correlation is unestablished, missense variants causing autosomal dominant inheritance are rare and are not localised to a specific protein region (OMIM); Alternative amino acid change(s) at the same position are present in gnomAD (Highest alelle count: v4: 2 heterozygote(s), 0 homozygote(s)) ; This variant has no previous evidence of pathogenicity; No published segregation evidence has been identified for this variant; No published functional evidence has been identified for this variant; Another missense variant(s) comparable to the one identified in this case has inconclusive previous evidence for pathogenicity. p.(Leu509Phe) has been classified as a VUS by a clinical laboratory in ClinVar; Variant is located in the annotated myosin head (motor domain) (DECIPHER); Loss of function is a known mechanism of disease in this gene and is associated with deafness, autosomal dominant 11 (MIM#601317), deafness, autosomal recessive 2 (MIM#600060) and Usher syndrome, type 1B (MIM#276900). In addition, dominant negative is the suggested mechanism for missense variants in autosomal dominant inheritance (OMIM, PMID: 23383098).

Natera, Inc.
Classification: Uncertain significance for Usher syndrome type 1B. Last evaluated: 2025-02-14. Review status: no assertion criteria provided. Collection method: clinical testing. Allele origin: germline. Not counted in ClinVar's aggregate classification.

Literature cited by the submitters: PubMed 23383098 (cited by Victorian Clinical Genetics Services, Murdoch Childrens Research Institute).